The following is an entry in ClinVar:

ClinVar aggregate classification (germline): Uncertain significance (1 of 4 stars; one submission).

Allele frequency attached by ClinVar (database versions not stated): TOPMed 0.00003.

Submission:

Labcorp Genetics (formerly Invitae), Labcorp
Classification: Uncertain significance. Last evaluated: 2022-04-01. Review status: criteria provided, single submitter. Criteria: Invitae Variant Classification Sherloc (09022015). Collection method: clinical testing. Allele origin: germline.
Comment: Algorithms developed to predict the effect of missense changes on protein structure and function (SIFT, PolyPhen-2, Align-GVGD) all suggest that this variant is likely to be tolerated. In summary, the available evidence is currently insufficient to determine the role of this variant in disease. Therefore, it has been classified as a Variant of Uncertain Significance. Algorithms developed to predict the effect of sequence changes on RNA splicing suggest that this variant may create or strengthen a splice site. This variant has not been reported in the literature in individuals affected with MCM3AP-related conditions. This variant is not present in population databases (gnomAD no frequency). This sequence change replaces alanine, which is neutral and non-polar, with valine, which is neutral and non-polar, at codon 268 of the MCM3AP protein (p.Ala268Val).

NM_003906.5(MCM3AP):c.803C>T (p.Ala268Val)

Gene: MCM3AP (minichromosome maintenance complex component 3 associated protein; minus strand). Cytogenetic location: 21q22.3.
Variant type: single nucleotide variant.
Coding change: c.803C>T on transcript NM_003906.5 (MANE Select); coding-DNA position 803, C replaced by T.
Protein change: p.Ala268Val; replaces alanine 268 with valine.
Molecular consequence: missense variant.
Genome position (GRCh38, 1-based): chr21:46,284,484, G>A on the plus strand (C>T on the coding strand, the complement: MCM3AP is on the minus strand). VCF-style: chr21-46284484-G-A. GRCh37 (hg19) VCF-style: chr21-47704398-G-A.
Other names: short protein forms A268V.
Identifiers: ClinVar variation 2162705 (VCV002162705.4), dbSNP rs1029738158, ClinGen allele CA321980290.